The following is an entry in ClinVar:

NM_006231.4(POLE):c.907dup (p.Gln303fs)

Gene: POLE (DNA polymerase epsilon, catalytic subunit; minus strand). Cytogenetic location: 12q24.33.
Variant type: Duplication.
Coding change: c.907dup on transcript NM_006231.4 (MANE Select); coding-DNA position 907, one base duplicated (C; older notation c.907dupC).
Protein change: p.Gln303fs; shifts the reading frame from glutamine 303.
Molecular consequence: frameshift variant.
Genome position (GRCh38, 1-based): chr12:132,676,548, G duplicated on the plus strand (C on the coding strand, the reverse complement: POLE is on the minus strand); the first of 2 consecutive G bases (chr12:132,676,548-132,676,549); duplicating either gives the same sequence. VCF-style (leftmost placement, unchanged base first): chr12-132676547-T-TG. GRCh37 (hg19) VCF-style: chr12-133253133-T-TG.
Other names: short protein forms Q303fs.
Identifiers: ClinVar variation 4690234 (VCV004690234.1).

ClinVar aggregate classification (germline): Likely pathogenic (1 of 4 stars; one submission).

Conditions:
Colorectal cancer, susceptibility to, 12 (CRCS12). Also called: COLORECTAL CANCER, SUSCEPTIBILITY TO, ON CHROMOSOME 12q24. Identifiers: Orphanet 220460, MedGen C3554460, MONDO:0014038, OMIM 615083.

Submission:

EVOGEN
Classification: Likely pathogenic for Colorectal cancer, susceptibility to, 12. Last evaluated: 2025-01-25. Review status: criteria provided, single submitter. Criteria: ACMG Guidelines, 2015. Collection method: clinical testing. Allele origin: germline. Affected: no.
Comment: PVS1: Null variant (frame-shift) in gene POLE, predicted to cause NMD. Loss-of-function is a known mechanism of disease (gene has 452 reported pathogenic LOF variants). The exon contains 9 pathogenic variants. The truncated region contains 406 pathogenic variants. PM2: Variant not found in gnomAD genomes, good gnomAD genomes coverage = 31.7. Variant not found in gnomAD exomes, good gnomAD exomes coverage = 30.4. Moscow City Health Department financial support